The following is an entry in ClinVar:

NM_000051.4(ATM):c.2801G>C (p.Ser934Thr)

Gene: ATM (ATM serine/threonine kinase; plus strand). Cytogenetic location: 11q22.3.
Variant type: single nucleotide variant.
Coding change: c.2801G>C on transcript NM_000051.4 (MANE Select); coding-DNA position 2801, G replaced by C.
Protein change: p.Ser934Thr; replaces serine 934 with threonine.
Molecular consequence: missense variant.
Genome position (GRCh38, 1-based): chr11:108,268,572, G>C. VCF-style: chr11-108268572-G-C. GRCh37 (hg19) VCF-style: chr11-108139299-G-C.
Other names: c.2801G>C, p.Ser934Thr (NM_001351834.2); short protein forms S934T.
Identifiers: ClinVar variation 524377 (VCV000524377.7), dbSNP rs1555083387, ClinGen allele CA382545664.

ClinVar aggregate classification (germline): Uncertain significance (1 of 4 stars; one submission).

Conditions:
Ataxia-telangiectasia syndrome (AT). Also called: ATAXIA-TELANGIECTASIA, COMPLEMENTATION GROUP A; ATAXIA-TELANGIECTASIA, FRESNO VARIANT; Ataxia-telangiectasia; Ataxia-telangiectasia, complementation group D; AT, COMPLEMENTATION GROUP C; Ataxia-telangiectasia, complementation group E. Identifiers: Orphanet 100, MedGen C0004135, MONDO:0008840, OMIM 208900.

Submission:

Labcorp Genetics (formerly Invitae), Labcorp
Classification: Uncertain significance for Ataxia-telangiectasia syndrome. Last evaluated: 2017-11-18. Review status: criteria provided, single submitter. Criteria: Invitae Variant Classification Sherloc (09022015). Collection method: clinical testing. Allele origin: germline.
Comment: This sequence change replaces serine with threonine at codon 934 of the ATM protein (p.Ser934Thr). The serine residue is weakly conserved and there is a small physicochemical difference between serine and threonine. This variant is not present in population databases (ExAC no frequency). This variant has not been reported in the literature in individuals with ATM-related disease. Algorithms developed to predict the effect of missense changes on protein structure and function (SIFT, PolyPhen-2, Align-GVGD) all suggest that this variant is likely to be tolerated, but these predictions have not been confirmed by published functional studies and their clinical significance is uncertain. In summary, the available evidence is currently insufficient to determine the role of this variant in disease. Therefore, it has been classified as a Variant of Uncertain Significance.